The following is an entry in ClinVar:

ClinVar aggregate classification (germline): Uncertain significance (3 of 4 stars; one submission).

Conditions:
Open-angle glaucoma. Identifiers: MedGen C0017612, MONDO:0005338, HP:0012108.

Allele frequency attached by ClinVar (database versions not stated): gnomAD exomes below 0.00001; TOPMed below 0.00001.

Submission:

ClinGen Glaucoma Variant Curation Expert Panel
Classification: Uncertain significance for Open-angle glaucoma. Last evaluated: 2025-12-03. Review status: reviewed by expert panel. Criteria: ClinGen Glaucoma ACMG Specifications V2.0.0 Approved. Collection method: curation. Allele origin: germline. Inheritance: Autosomal dominant inheritance.
Comment: The c.897T>C variant in MYOC is a synonymous variant (p.Phe299=). The highest minor allele frequency of this variant was in the Admixed American genetic ancestry group of gnomAD (v4.1.0) = 0.00001676 (1 allele out of 59,660), which met the ≤ 0.0001 threshold set for PM2_Supporting in a genetic ancestry group of at least 10,000 alleles. The SpliceAI score = 0.01, which met the ≤ 0.1 threshold for BP4, suggesting that the variant does not impact MYOC function. This synonymous variant meets BP4, so BP7 is met. There was no functional evidence predicting a damaging or benign impact of this variant on MYOC function. Only 1 proband with primary open angle glaucoma had been reported (ANZRAG [E. Souzeau pers. comm.]), not meeting the ≥ 2 probands threshold required to meet PS4_Supporting. In summary, this variant met the criteria to receive a score of -1 and to be classified as a variant of uncertain significance (uncertain significance classification range -1 to 5, adapted from PMID: 32720330) for primary open angle glaucoma based on the ACMG/AMP criteria met, as specified by the ClinGen Glaucoma VCEP (v2.0.0, 5 Dec 2024): PM2_Supporting, BP4, BP7

NM_000261.2(MYOC):c.897T>C (p.Phe299=)

Gene: MYOC (myocilin; minus strand). Cytogenetic location: 1q24.3.
Variant type: single nucleotide variant.
Coding change: c.897T>C on transcript NM_000261.2 (MANE Select); coding-DNA position 897, T replaced by C.
Protein change: p.Phe299=; no amino-acid change (phenylalanine 299 retained).
Molecular consequence: synonymous variant.
Genome position (GRCh38, 1-based): chr1:171,636,543, A>G on the plus strand (T>C on the coding strand, the complement: MYOC is on the minus strand). VCF-style: chr1-171636543-A-G. GRCh37 (hg19) VCF-style: chr1-171605683-A-G.
Other names: NM_000261.2:c.897T>C.
Identifiers: ClinVar variation 1723172 (VCV001723172.2), dbSNP rs1041675997, ClinGen allele CA32686006.